The following is an entry in ClinVar:

ClinVar aggregate classification (germline): Uncertain significance (1 of 4 stars; one submission).

Submission:

Ambry Genetics
Classification: Uncertain significance. Last evaluated: 2022-04-07. Review status: criteria provided, single submitter. Criteria: Ambry Variant Classification Scheme 2023. Collection method: clinical testing. Allele origin: germline.
Comment: The p.I246V variant (also known as c.736A>G), located in coding exon 9 of the NPAT gene, results from an A to G substitution at nucleotide position 736. The isoleucine at codon 246 is replaced by valine, an amino acid with highly similar properties. This amino acid position is conserved. In addition, this alteration is predicted to be tolerated by in silico analysis. Since supporting evidence is limited at this time, the clinical significance of this alteration remains unclear.

NM_002519.3(NPAT):c.736A>G (p.Ile246Val)

Gene: NPAT (nuclear protein, coactivator of histone transcription; minus strand). Cytogenetic location: 11q22.3.
Variant type: single nucleotide variant.
Coding change: c.736A>G on transcript NM_002519.3 (MANE Select); coding-DNA position 736, A replaced by G.
Protein change: p.Ile246Val; replaces isoleucine 246 with valine.
Molecular consequence: missense variant.
Genome position (GRCh38, 1-based): chr11:108,185,485, T>C on the plus strand (A>G on the coding strand, the complement: NPAT is on the minus strand). VCF-style: chr11-108185485-T-C. GRCh37 (hg19) VCF-style: chr11-108056212-T-C.
Other names: c.736A>G, p.Ile246Val (NM_001321307.1); short protein forms I246V.
Identifiers: ClinVar variation 1758548 (VCV001758548.2), dbSNP rs2496738213, ClinGen allele CA382521454.